The following is an entry in ClinVar:

NM_152618.3(BBS12):c.1140A>C (p.Thr380=)

Gene: BBS12 (Bardet-Biedl syndrome 12; plus strand). Cytogenetic location: 4q27.
Variant type: single nucleotide variant.
Coding change: c.1140A>C on transcript NM_152618.3 (MANE Select); coding-DNA position 1140, A replaced by C.
Protein change: p.Thr380=; no amino-acid change (threonine 380 retained).
Molecular consequence: synonymous variant.
Genome position (GRCh38, 1-based): chr4:122,743,032, A>C. VCF-style: chr4-122743032-A-C. GRCh37 (hg19) VCF-style: chr4-123664187-A-C.
Other names: c.1140A>C, p.Thr380= (NM_001178007.2); c.1140A>C (NM_152618.2).
Identifiers: ClinVar variation 2987217 (VCV002987217.4), dbSNP rs148225434, ClinGen allele CA105249196.

ClinVar aggregate classification (germline): Likely benign. Review status: criteria provided, single submitter (1 of 4 stars). 2 submissions from 2 submitters: Likely benign (1). 1 of the submissions does not count toward it. Last evaluated 2023-07-16.

Conditions:
Bardet-Biedl syndrome (BBS). Identifiers: Orphanet 110, MedGen C0752166, MONDO:0015229.
BBS12-related disorder. Also called: BBS12-related condition.

Allele frequency attached by ClinVar (database versions not stated): gnomAD 0.00001; TOPMed 0.00001; ESP Exome Variant Server 0.00008.
gnomAD v4.1: 4 of 1,614,154 alleles (0.00025%); highest among the groups gnomAD compares: African/African-American, 0.0053%; no homozygotes.

Submissions (2):

Labcorp Genetics (formerly Invitae), Labcorp
Classification: Likely benign for Bardet-Biedl syndrome. Last evaluated: 2023-07-16. Review status: criteria provided, single submitter. Criteria: Invitae Variant Classification Sherloc (09022015). Collection method: clinical testing. Allele origin: germline.

PreventionGenetics, part of Exact Sciences
Classification: Likely benign for BBS12-related condition. Last evaluated: 2022-12-07. Review status: no assertion criteria provided. Collection method: clinical testing. Allele origin: germline. Not counted in ClinVar's aggregate classification.
Comment: This variant is classified as likely benign based on ACMG/AMP sequence variant interpretation guidelines (Richards et al. 2015 PMID: 25741868, with internal and published modifications).